The following is an entry in ClinVar:

NM_001001343.4(FNDC9):c.170C>T (p.Thr57Met)

Genes: CYFIP2 (cytoplasmic FMR1 interacting protein 2; plus strand), FNDC9 (fibronectin type III domain containing 9; minus strand). Cytogenetic location: 5q33.3.
Variant type: single nucleotide variant.
Coding change: c.170C>T on transcript NM_001001343.4 (MANE Select); coding-DNA position 170, C replaced by T.
Protein change: p.Thr57Met; replaces threonine 57 with methionine.
Molecular consequence: missense variant. On other transcripts: intron variant (4).
Genome position (GRCh38, 1-based): chr5:157,343,367, G>A on the plus strand (C>T on the coding strand, the complement: FNDC9 is on the minus strand). VCF-style: chr5-157343367-G-A. GRCh37 (hg19) VCF-style: chr5-156770375-G-A.
Other names: c.2748+2210G>A (NM_001291722.2); c.2673+2210G>A (NM_001037333.3, NM_014376.4); c.2595+2210G>A (NM_001291721.2); short protein forms T57M.
Identifiers: ClinVar variation 3388154 (VCV003388154.14).

ClinVar aggregate classification (germline): Likely benign (1 of 4 stars; one submission).

gnomAD v4.1: 1,366 of 1,614,172 alleles (0.085%); highest among the groups gnomAD compares: African/African-American, 1.1%; 10 homozygotes.

Submission:

CeGaT Center for Human Genetics Tuebingen
Classification: Likely benign. Last evaluated: 2026-07-01. Review status: criteria provided, single submitter. Criteria: CeGaT Center For Human Genetics Tuebingen Variant Classification Criteria Version 2. Collection method: clinical testing. Allele origin: germline. Affected: yes. Observed: 3 variant alleles.
Comment: FNDC9: BS1